The following is an entry in ClinVar:

NM_003001.5(SDHC):c.78-152C>T

Gene: SDHC (succinate dehydrogenase complex subunit C; plus strand). Cytogenetic location: 1q23.3.
Variant type: single nucleotide variant.
Coding change: c.78-152C>T on transcript NM_003001.5 (MANE Select); 152 bases into the intron before coding-DNA position 78, C replaced by T.
Molecular consequence: intron variant.
Genome position (GRCh38, 1-based): chr1:161,328,244, C>T. VCF-style: chr1-161328244-C-T. GRCh37 (hg19) VCF-style: chr1-161298034-C-T.
Other names: c.-34-152C>T (NM_001407119.1, NM_001407120.1); c.78-152C>T (NM_001407115.1, NM_001035511.3); c.77+4574C>T (NM_001035512.3, NM_001278172.3, NM_001407118.1); c.21-152C>T (NM_001407116.1, NM_001407121.1, NM_001407117.1); c.21-12350C>T (NM_001035513.3).
Identifiers: ClinVar variation 676871 (VCV000676871.2), dbSNP rs140984949, ClinGen allele CA31685856.

ClinVar aggregate classification (germline): Likely benign (1 of 4 stars; one submission).

Allele frequency attached by ClinVar (database versions not stated): gnomAD exomes 0.00079; gnomAD 0.00606 and 0.00649; TOPMed 0.00645; 1000 Genomes Project 0.00659; 1000 Genomes Project 30x 0.00796.
gnomAD v4.1: 1,322 of 639,764 alleles (0.21%); highest among the groups gnomAD compares: African/African-American, 2.1%; 16 homozygotes.

Submission:

GeneDx
Classification: Likely benign. Last evaluated: 2018-06-12. Review status: criteria provided, single submitter. Criteria: GeneDx Variant Classification (06012015). Collection method: clinical testing. Allele origin: germline. Affected: yes.
Comment: This variant is considered likely benign or benign based on one or more of the following criteria: it is a conservative change, it occurs at a poorly conserved position in the protein, it is predicted to be benign by multiple in silico algorithms, and/or has population frequency not consistent with disease.